The following is an entry in ClinVar:

NM_001035.3(RYR2):c.4601A>G (p.Glu1534Gly)

Gene: RYR2 (ryanodine receptor 2; plus strand). Cytogenetic location: 1q43.
Variant type: single nucleotide variant.
Coding change: c.4601A>G on transcript NM_001035.3 (MANE Select); coding-DNA position 4601, A replaced by G.
Protein change: p.Glu1534Gly; replaces glutamic acid 1534 with glycine.
Molecular consequence: missense variant.
Genome position (GRCh38, 1-based): chr1:237,602,029, A>G. VCF-style: chr1-237602029-A-G. GRCh37 (hg19) VCF-style: chr1-237765329-A-G.
Other names: short protein forms E1534G.
Identifiers: ClinVar variation 3436558 (VCV003436558.3).

ClinVar aggregate classification (germline): Uncertain significance. Review status: criteria provided, multiple submitters, no conflicts (2 of 4 stars). 2 submissions from 2 submitters: Uncertain significance (2). Last evaluated 2024-09-25.

Conditions:
Cardiovascular phenotype. Identifiers: MedGen CN230736.
Catecholaminergic polymorphic ventricular tachycardia 1. Also called: RYR2-Related Catecholaminergic Polymorphic Ventricular Tachycardia; VENTRICULAR TACHYCARDIA, CATECHOLAMINERGIC POLYMORPHIC, 1, WITH OR WITHOUT ATRIAL DYSFUNCTION AND/OR DILATED CARDIOMYOPATHY; VENTRICULAR TACHYCARDIA, STRESS-INDUCED POLYMORPHIC 1. Identifiers: Orphanet 3286, MedGen C1631597, MONDO:0011484, OMIM 604772.

gnomAD v4.1: 4 of 1,611,842 alleles (0.00025%); highest among the groups gnomAD compares: Non-Finnish European, 0.00034%; no homozygotes.

Submissions (2):

Ambry Genetics
Classification: Uncertain significance for Cardiovascular phenotype. Last evaluated: 2024-09-25. Review status: criteria provided, single submitter. Criteria: Ambry Variant Classification Scheme 2023. Collection method: clinical testing. Allele origin: germline.
Comment: The p.E1534G variant (also known as c.4601A>G), located in coding exon 35 of the RYR2 gene, results from an A to G substitution at nucleotide position 4601. The glutamic acid at codon 1534 is replaced by glycine, an amino acid with similar properties. This amino acid position is highly conserved in available vertebrate species. In addition, this alteration is predicted to be deleterious by in silico analysis. Based on the available evidence, the clinical significance of this variant remains unclear.

Labcorp Genetics (formerly Invitae), Labcorp
Classification: Uncertain significance for Catecholaminergic polymorphic ventricular tachycardia 1. Last evaluated: 2024-09-11. Review status: criteria provided, single submitter. Criteria: Invitae Variant Classification Sherloc (09022015). Collection method: clinical testing. Allele origin: germline.
Comment: This sequence change replaces glutamic acid, which is acidic and polar, with glycine, which is neutral and non-polar, at codon 1534 of the RYR2 protein (p.Glu1534Gly). This variant is not present in population databases (gnomAD no frequency). This variant has not been reported in the literature in individuals affected with RYR2-related conditions. Invitae Evidence Modeling of protein sequence and biophysical properties (such as structural, functional, and spatial information, amino acid conservation, physicochemical variation, residue mobility, and thermodynamic stability) has been performed for this missense variant. However, the output from this modeling did not meet the statistical confidence thresholds required to predict the impact of this variant on RYR2 protein function. In summary, the available evidence is currently insufficient to determine the role of this variant in disease. Therefore, it has been classified as a Variant of Uncertain Significance.